The following is an entry in ClinVar:

NM_003738.5(PTCH2):c.3601G>C (p.Ala1201Pro)

Gene: PTCH2 (patched 2; minus strand). Cytogenetic location: 1p34.1.
Variant type: single nucleotide variant.
Coding change: c.3601G>C on transcript NM_003738.5 (MANE Select); coding-DNA position 3601, G replaced by C.
Protein change: p.Ala1201Pro; replaces alanine 1201 with proline.
Molecular consequence: missense variant. On other transcripts: intron variant (1).
Genome position (GRCh38, 1-based): chr1:44,822,426, C>G on the plus strand (G>C on the coding strand, the complement: PTCH2 is on the minus strand). VCF-style: chr1-44822426-C-G. GRCh37 (hg19) VCF-style: chr1-45288098-C-G.
Other names: c.3601G>C (NM_003738.4); c.3425+176G>C (NM_001166292.2); short protein forms A1201P.
Identifiers: ClinVar variation 1928398 (VCV001928398.8), dbSNP rs1454339215, ClinGen allele CA340105286.

ClinVar aggregate classification (germline): Uncertain significance. Review status: criteria provided, single submitter (1 of 4 stars). 2 submissions from 2 submitters: Uncertain significance (1). 1 of the submissions does not count toward it. Last evaluated 2022-01-14.

Conditions:
Gorlin syndrome. Also called: Basal cell nevus syndrome; Nevoid Basal Cell Carcinoma Syndrome. Identifiers: Orphanet 377, MedGen C0004779, MONDO:0007187.
PTCH2-related disorder. Also called: PTCH2-related disease; PTCH2-related condition.

Allele frequency attached by ClinVar (database versions not stated): gnomAD exomes below 0.00001; gnomAD 0.00001; TOPMed 0.00001.
gnomAD v4.1: 4 of 1,613,672 alleles (0.00025%); highest among the groups gnomAD compares: Non-Finnish European, 0.00034%; no homozygotes.

Submissions (2):

Labcorp Genetics (formerly Invitae), Labcorp
Classification: Uncertain significance for Gorlin syndrome. Last evaluated: 2022-01-14. Review status: criteria provided, single submitter. Criteria: Invitae Variant Classification Sherloc (09022015). Collection method: clinical testing. Allele origin: germline.
Comment: This sequence change replaces alanine, which is neutral and non-polar, with proline, which is neutral and non-polar, at codon 1201 of the PTCH2 protein (p.Ala1201Pro). In summary, the available evidence is currently insufficient to determine the role of this variant in disease. Therefore, it has been classified as a Variant of Uncertain Significance. Algorithms developed to predict the effect of missense changes on protein structure and function (SIFT, PolyPhen-2, Align-GVGD) all suggest that this variant is likely to be tolerated. This variant has not been reported in the literature in individuals affected with PTCH2-related conditions. This variant is present in population databases (no rsID available, gnomAD 0.007%).

PreventionGenetics, part of Exact Sciences
Classification: Uncertain significance for PTCH2-related condition. Last evaluated: 2023-11-16. Review status: no assertion criteria provided. Collection method: clinical testing. Allele origin: germline. Not counted in ClinVar's aggregate classification.
Comment: The PTCH2 c.3601G>C variant is predicted to result in the amino acid substitution p.Ala1201Pro. To our knowledge, this variant has not been reported in the literature. This variant is reported in 0.0065% of alleles in individuals of European (Non-Finnish) descent in gnomAD. At this time, the clinical significance of this variant is uncertain due to the absence of conclusive functional and genetic evidence.